The following is an entry in ClinVar:

NM_006231.4(POLE):c.3631G>A (p.Asp1211Asn)

Gene: POLE (DNA polymerase epsilon, catalytic subunit; minus strand). Cytogenetic location: 12q24.33.
Variant type: single nucleotide variant.
Coding change: c.3631G>A on transcript NM_006231.4 (MANE Select); coding-DNA position 3631, G replaced by A.
Protein change: p.Asp1211Asn; replaces aspartic acid 1211 with asparagine.
Molecular consequence: missense variant.
Genome position (GRCh38, 1-based): chr12:132,649,841, C>T on the plus strand (G>A on the coding strand, the complement: POLE is on the minus strand). VCF-style: chr12-132649841-C-T. GRCh37 (hg19) VCF-style: chr12-133226427-C-T.
Other names: short protein forms D1211N.
Identifiers: ClinVar variation 1721306 (VCV001721306.5), dbSNP rs2138614950, ClinGen allele CA387386916.
Genomic context (GRCh38, chr12:132,649,841, plus strand): 5'-TCTTCACAGTGACAGGGGCTGCTGGGTGAGGCAGCTTTACGAGGCCGAAGTCCTCCATGT[C>T]AGGAGCACTTGGCCTCGGACTGTCTTCTGAGGCCTCGGCCATCGTGACCTGGAAAGACCC-3'
Protein context (NP_006222.2, residues 1201-1221): SEDSPRPSAP[Asp1211Asn]MEDFGLVKLP

ClinVar aggregate classification (germline): Uncertain significance (1 of 4 stars; one submission).

Submission:

Labcorp Genetics (formerly Invitae), Labcorp
Classification: Uncertain significance. Last evaluated: 2022-10-08. Review status: criteria provided, single submitter. Criteria: Invitae Variant Classification Sherloc (09022015). Collection method: clinical testing. Allele origin: germline.
Comment: This sequence change replaces aspartic acid, which is acidic and polar, with asparagine, which is neutral and polar, at codon 1211 of the POLE protein (p.Asp1211Asn). In summary, the available evidence is currently insufficient to determine the role of this variant in disease. Therefore, it has been classified as a Variant of Uncertain Significance. Advanced modeling of protein sequence and biophysical properties (such as structural, functional, and spatial information, amino acid conservation, physicochemical variation, residue mobility, and thermodynamic stability) has been performed at Invitae for this missense variant, however the output from this modeling did not meet the statistical confidence thresholds required to predict the impact of this variant on POLE protein function. This variant has not been reported in the literature in individuals affected with POLE-related conditions. This variant is not present in population databases (gnomAD no frequency).